The following is an entry in ClinVar:

NM_005560.6(LAMA5):c.2650C>T (p.Pro884Ser)

Gene: LAMA5 (laminin subunit alpha 5; minus strand). Cytogenetic location: 20q13.33.
Variant type: single nucleotide variant.
Coding change: c.2650C>T on transcript NM_005560.6 (MANE Select); coding-DNA position 2650, C replaced by T.
Protein change: p.Pro884Ser; replaces proline 884 with serine.
Molecular consequence: missense variant.
Genome position (GRCh38, 1-based): chr20:62,334,275, G>A on the plus strand (C>T on the coding strand, the complement: LAMA5 is on the minus strand). VCF-style: chr20-62334275-G-A. GRCh37 (hg19) VCF-style: chr20-60909331-G-A.
Other names: short protein forms P884S.
Identifiers: ClinVar variation 1355342 (VCV001355342.6), dbSNP rs2146209888, ClinGen allele CA409569670.

ClinVar aggregate classification (germline): Uncertain significance (1 of 4 stars; one submission).

Submission:

Labcorp Genetics (formerly Invitae), Labcorp
Classification: Uncertain significance. Last evaluated: 2021-12-10. Review status: criteria provided, single submitter. Criteria: Invitae Variant Classification Sherloc (09022015). Collection method: clinical testing. Allele origin: germline.
Comment: In summary, the available evidence is currently insufficient to determine the role of this variant in disease. Therefore, it has been classified as a Variant of Uncertain Significance. Algorithms developed to predict the effect of missense changes on protein structure and function are either unavailable or do not agree on the potential impact of this missense change (SIFT: "Tolerated"; PolyPhen-2: "Probably Damaging"; Align-GVGD: "Class C0"). This variant has not been reported in the literature in individuals affected with LAMA5-related conditions. This variant is not present in population databases (gnomAD no frequency). This sequence change replaces proline, which is neutral and non-polar, with serine, which is neutral and polar, at codon 884 of the LAMA5 protein (p.Pro884Ser).